The following is an entry in ClinVar:

ClinVar aggregate classification (germline): Uncertain significance (1 of 4 stars; one submission).

Allele frequency attached by ClinVar (database versions not stated): ExAC 0.00001; gnomAD exomes 0.00001 and 0.00002; gnomAD 0.00007 and 0.00008; ESP Exome Variant Server 0.00008; TOPMed 0.00009.

Submission:

GeneDx
Classification: Uncertain significance. Last evaluated: 2021-12-01. Review status: criteria provided, single submitter. Criteria: GeneDx Variant Classification Process June 2021. Collection method: clinical testing. Allele origin: germline. Affected: yes.
Comment: Not observed at significant frequency in large population cohorts (Lek et al., 2016); In silico analysis supports that this missense variant has a deleterious effect on protein structure/function; Has not been previously published as pathogenic or benign to our knowledge

NM_001377299.1(NDUFS2):c.1279C>T (p.Pro427Ser)

Gene: NDUFS2 (NADH:ubiquinone oxidoreductase core subunit S2; plus strand). Cytogenetic location: 1q23.3.
Variant type: single nucleotide variant.
Coding change: c.1279C>T on transcript NM_001377299.1 (MANE Select); coding-DNA position 1279, C replaced by T.
Protein change: p.Pro427Ser; replaces proline 427 with serine.
Molecular consequence: missense variant. On other transcripts: non-coding transcript variant (1).
Genome position (GRCh38, 1-based): chr1:161,213,715, C>T. VCF-style: chr1-161213715-C-T. GRCh37 (hg19) VCF-style: chr1-161183505-C-T.
Other names: c.1279C>T, p.Pro427Ser (NM_001166159.2, NM_001377298.1, NM_001377300.1 and 3 more transcripts); short protein forms P427S.
Identifiers: ClinVar variation 1327371 (VCV001327371.2), dbSNP rs371063969, ClinGen allele CA1208832.